The following is an entry in ClinVar:

NM_000088.4(COL1A1):c.2974G>A (p.Gly992Ser)

Gene: COL1A1 (collagen type I alpha 1 chain; minus strand). Cytogenetic location: 17q21.33.
Variant type: single nucleotide variant.
Coding change: c.2974G>A on transcript NM_000088.4 (MANE Select); coding-DNA position 2974, G replaced by A.
Protein change: p.Gly992Ser; replaces glycine 992 with serine.
Molecular consequence: missense variant.
Genome position (GRCh38, 1-based): chr17:50,188,974, C>T on the plus strand (G>A on the coding strand, the complement: COL1A1 is on the minus strand). VCF-style: chr17-50188974-C-T. GRCh37 (hg19) VCF-style: chr17-48266335-C-T.
Other names: short protein forms G992S.
Identifiers: ClinVar variation 2027800 (VCV002027800.4), dbSNP rs1906821006, ClinGen allele CA400204108.

ClinVar aggregate classification (germline): Likely pathogenic (1 of 4 stars; one submission).

Conditions:
Osteogenesis imperfecta type I (OI1). Also called: Lobstein disease; OI, TYPE I; OSTEOGENESIS IMPERFECTA TARDA; OSTEOGENESIS IMPERFECTA WITH BLUE SCLERAE; Osteogenesis imperfecta type 1; Classic Non-deforming Osteogenesis Imperfecta with Blue Sclerae. Identifiers: Orphanet 216796, Orphanet 666, MedGen C0023931, MONDO:0008146, OMIM 166200. Disease mechanism: loss of function.

Submission:

Labcorp Genetics (formerly Invitae), Labcorp
Classification: Likely pathogenic for Osteogenesis imperfecta type I. Last evaluated: 2022-08-29. Review status: criteria provided, single submitter. Criteria: Invitae Variant Classification Sherloc (09022015). Collection method: clinical testing. Allele origin: germline.
Comment: In summary, the currently available evidence indicates that the variant is pathogenic, but additional data are needed to prove that conclusively. Therefore, this variant has been classified as Likely Pathogenic. This variant disrupts the triple helix domain of COL1A1. Glycine residues within the Gly-Xaa-Yaa repeats of the triple helix domain are required for the structure and stability of fibrillar collagens (PMID: 7695699, 8218237, 19344236). In COL1A1, variants affecting these glycine residues are significantly enriched in individuals with disease (PMID: 9016532, 17078022) compared to the general population (ExAC). Advanced modeling of protein sequence and biophysical properties (such as structural, functional, and spatial information, amino acid conservation, physicochemical variation, residue mobility, and thermodynamic stability) performed at Invitae indicates that this missense variant is expected to disrupt COL1A1 protein function. This variant has not been reported in the literature in individuals affected with COL1A1-related conditions. This variant is not present in population databases (gnomAD no frequency). This sequence change replaces glycine, which is neutral and non-polar, with serine, which is neutral and polar, at codon 992 of the COL1A1 protein (p.Gly992Ser).

Literature cited by the submitters: PubMed 7695699; PubMed 8218237; PubMed 19344236; PubMed 9016532; PubMed 17078022.